The following is an entry in ClinVar:

NM_001166114.2(PNPLA6):c.2107G>T (p.Val703Leu)

Gene: PNPLA6 (patatin like domain 6, lysophospholipase; plus strand). Cytogenetic location: 19p13.2.
Variant type: single nucleotide variant.
Coding change: c.2107G>T on transcript NM_001166114.2 (MANE Select); coding-DNA position 2107, G replaced by T.
Protein change: p.Val703Leu; replaces valine 703 with leucine.
Molecular consequence: missense variant.
Genome position (GRCh38, 1-based): chr19:7,551,030, G>T. VCF-style: chr19-7551030-G-T. GRCh37 (hg19) VCF-style: chr19-7615916-G-T.
Other names: c.2134G>T, p.Val712Leu (NM_001166111.2); c.1912G>T, p.Val638Leu (NM_001166112.2); c.1990G>T, p.Val664Leu (NM_001166113.1, NM_006702.5); short protein forms V638L, V664L, V703L, V712L.
Identifiers: ClinVar variation 1050941 (VCV001050941.9), dbSNP rs979155811, ClinGen allele CA304875531.

ClinVar aggregate classification (germline): Uncertain significance (1 of 4 stars; one submission).

Conditions:
Hereditary spastic paraplegia 39 (SPG39). Also called: SPASTIC PARAPLEGIA 39, AUTOSOMAL RECESSIVE; Spastic Paraplegia Type 39 (SPG39). Identifiers: Orphanet 139480, MedGen C2677586, MONDO:0012787, OMIM 612020.

Allele frequency attached by ClinVar (database versions not stated): gnomAD 0.00001.

Submission:

Labcorp Genetics (formerly Invitae), Labcorp
Classification: Uncertain significance for Hereditary spastic paraplegia 39. Last evaluated: 2023-04-26. Review status: criteria provided, single submitter. Criteria: Invitae Variant Classification Sherloc (09022015). Collection method: clinical testing. Allele origin: germline.
Comment: In summary, the available evidence is currently insufficient to determine the role of this variant in disease. Therefore, it has been classified as a Variant of Uncertain Significance. Advanced modeling of protein sequence and biophysical properties (such as structural, functional, and spatial information, amino acid conservation, physicochemical variation, residue mobility, and thermodynamic stability) has been performed at Invitae for this missense variant, however the output from this modeling did not meet the statistical confidence thresholds required to predict the impact of this variant on PNPLA6 protein function. ClinVar contains an entry for this variant (Variation ID: 1050941). This variant has not been reported in the literature in individuals affected with PNPLA6-related conditions. This variant is not present in population databases (gnomAD no frequency). This sequence change replaces valine, which is neutral and non-polar, with leucine, which is neutral and non-polar, at codon 664 of the PNPLA6 protein (p.Val664Leu).